The following is an entry in ClinVar:

ClinVar aggregate classification (germline): Benign/Likely benign. Review status: criteria provided, multiple submitters, no conflicts (2 of 4 stars). 2 submissions from 2 submitters: Benign (1); Likely benign (1). Last evaluated 2024-11-26.

Submissions (2):

Blueprint Genetics
Classification: Likely benign. Last evaluated: 2024-11-26. Review status: criteria provided, single submitter. Criteria: ACMG Guidelines, 2015. Collection method: clinical testing. Allele origin: germline.

Women's Health and Genetics/Laboratory Corporation of America, LabCorp
Classification: Benign. Last evaluated: 2019-08-13. Review status: criteria provided, single submitter. Criteria: LabCorp Variant Classification Summary - May 2015. Collection method: clinical testing. Allele origin: germline.
Comment: Variant summary: APOA2 c.53-17_53-6delTGTGTGTGTGTG alters a nucleotide located close to a canonical splice site and therefore could affect mRNA splicing, leading to a significantly altered protein sequence. 5/5 computational tools predict no significant impact on normal splicing. However, these predictions have yet to be confirmed by functional studies. The variant allele was found at a frequency of 0.18 in 195520 control chromosomes, predominantly at a frequency of 0.27 within the East Asian subpopulation in the gnomAD database, including 85 homozygotes. The observed variant frequency within East Asian control individuals in the gnomAD database is approximately 13500-folds over the estimated maximal expected allele frequency for a pathogenic variant in APOA2 causing Early Onset Coronary Artery Disease phenotype (2e-05), strongly suggesting that the variant is a benign polymorphism found primarily in populations of East Asian origin. To our knowledge, no occurrence of c.53-17_53-6delTGTGTGTGTGTG in individuals affected with Early Onset Coronary Artery Disease and no experimental evidence demonstrating its impact on protein function have been reported. No clinical diagnostic laboratories have submitted clinical-significance assessments for this variant to ClinVar after 2014. Based on the evidence outlined above, the variant was classified as benign.

NM_001643.2(APOA2):c.53-43TG[13]

Gene: APOA2 (apolipoprotein A2; minus strand). Cytogenetic location: 1q23.3.
Variant type: Microsatellite.
Coding change: c.53-43TG[13] on transcript NM_001643.2 (MANE Select); 13 copies in a row of the 2-base unit TG starting at c.53-43; the reference has 19 copies in a row; six copies, 12 bases deleted.
Molecular consequence: intron variant.
Genome position (GRCh38, 1-based): chr1:161,223,056-161,223,067, CACACACACACA deleted on the plus strand (TGTGTGTGTGTG on the coding strand, the reverse complement: APOA2 is on the minus strand); deleting any 12 consecutive bases within chr1:161,223,056-161,223,094 gives the same sequence; the position shown is the placement nearest the transcript's 3' end. VCF-style (leftmost placement, unchanged base first): chr1-161223055-CCACACACACACA-C. GRCh37 (hg19) VCF-style: chr1-161192845-CCACACACACACA-C.
Identifiers: ClinVar variation 928640 (VCV000928640.2), dbSNP rs17244502, ClinGen allele CA1209153.